The following is an entry in ClinVar:

ClinVar aggregate classification (germline): Pathogenic/Likely pathogenic. Review status: criteria provided, multiple submitters, no conflicts (2 of 4 stars). 2 submissions from 2 submitters: Pathogenic (1); Likely pathogenic (1). Last evaluated 2026-09-08.

Conditions:
Fabry disease. Also called: ALPHA-GALACTOSIDASE A DEFICIENCY; ANDERSON-FABRY DISEASE; CERAMIDE TRIHEXOSIDASE DEFICIENCY; GLA DEFICIENCY; HEREDITARY DYSTOPIC LIPIDOSIS; Angiokeratoma corporis diffusum. Identifiers: Orphanet 324, MedGen C0002986, MONDO:0010526, OMIM 301500, HP:0001071. Disease mechanism: Fabry disease is due to inactivating mutations in the X-linked GLA gene resulting in deficiency of the enzyme Alpha Galactosidase-A., loss of function.

Submissions (2):

Genomenon, Inc
Classification: Likely pathogenic for Fabry disease. Last evaluated: 2026-09-08. Review status: criteria provided, single submitter. Criteria: Genomenon Sequence Variant Interpretation Standards - Updated. Collection method: curation. Allele origin: germline. Affected: yes.
Comment: GLA p.Gly411Asp (c.1232G>A) is a missense variant that changes the amino acid at codon 411 from Glycine to Aspartic acid. This variant has been observed in at least one proband with clinical features consistent with Fabry disease (PMID:24020479;29853467;14680977;36165155;25974833). At least one functional study has demonstrated a substantial alteration in protein function relative to the wild-type (PMID:27657681;14680977). It is absent or not present at a significant frequency in gnomAD. In silico models predict that this variant is possibly or probably damaging. In conclusion, we classify GLA p.Gly411Asp (c.1232G>A) as a likely pathogenic variant.

Serv. Biochemistry and Molecular genetics, Hospital Clinic de Barcelona, Hospital Clínic de Barcelona
Classification: Pathogenic for Fabry disease. Last evaluated: 2026-05-21. Review status: criteria provided, single submitter. Criteria: ACMG Guidelines, 2015. Collection method: clinical testing. Allele origin: germline. Inheritance: X-linked inheritance. Affected: yes. Observed: 2 variant alleles.
Comment: Classification reported in the manuscript using ACMG criteria/in silico tools: Pathogenic. Variant type: Missense; amino acid change: p.Gly411Asp. Criteria: PM1, PM2, PM5, PP2, PP3, PS4,

Literature cited by the submitters: PubMed 24020479 (cited by Genomenon, Inc and Serv. Biochemistry and Molecular genetics, Hospital Clinic de Barcelona, Hospital Clínic de Barcelona); PubMed 29853467 (cited by Genomenon, Inc and Serv. Biochemistry and Molecular genetics, Hospital Clinic de Barcelona, Hospital Clínic de Barcelona); PubMed 14680977 (cited by Genomenon, Inc and Serv. Biochemistry and Molecular genetics, Hospital Clinic de Barcelona, Hospital Clínic de Barcelona); PubMed 36165155 (cited by Genomenon, Inc and Serv. Biochemistry and Molecular genetics, Hospital Clinic de Barcelona, Hospital Clínic de Barcelona); PubMed 25974833 (cited by Genomenon, Inc and Serv. Biochemistry and Molecular genetics, Hospital Clinic de Barcelona, Hospital Clínic de Barcelona); PubMed 27657681 (cited by Genomenon, Inc and Serv. Biochemistry and Molecular genetics, Hospital Clinic de Barcelona, Hospital Clínic de Barcelona); PubMed 25511234 (cited by Serv. Biochemistry and Molecular genetics, Hospital Clinic de Barcelona, Hospital Clínic de Barcelona); PubMed 29631605 (cited by Serv. Biochemistry and Molecular genetics, Hospital Clinic de Barcelona, Hospital Clínic de Barcelona); PubMed 12676911 (cited by Serv. Biochemistry and Molecular genetics, Hospital Clinic de Barcelona, Hospital Clínic de Barcelona).

NM_000169.3(GLA):c.1232G>A (p.Gly411Asp)

Genes: GLA (galactosidase alpha; minus strand), RPL36A-HNRNPH2 (RPL36A-HNRNPH2 readthrough; plus strand). Cytogenetic location: Xq22.1.
Variant type: single nucleotide variant.
Coding change: c.1232G>A on transcript NM_000169.3 (MANE Select); coding-DNA position 1232, G replaced by A.
Protein change: p.Gly411Asp; replaces glycine 411 with aspartic acid.
Molecular consequence: missense variant. On other transcripts: non-coding transcript variant (3), intron variant (2).
Genome position (GRCh38, 1-based): chrX:101,397,867, C>T on the plus strand (G>A on the coding strand, the complement: GLA is on the minus strand). VCF-style: chrX-101397867-C-T. GRCh37 (hg19) VCF-style: chrX-100652855-C-T.
Other names: c.1355G>A, p.Gly452Asp (NM_001406747.1); c.300+2410C>T (NM_001199973.2); c.177+6045C>T (NM_001199974.2); short protein forms G411D, G452D.
Identifiers: ClinVar variation 4087667 (VCV004087667.3).